The following is an entry in ClinVar:

ClinVar aggregate classification (germline): Likely pathogenic (1 of 4 stars; one submission).

Submission:

GeneDx
Classification: Likely pathogenic. Last evaluated: 2026-02-23. Review status: criteria provided, single submitter. Criteria: GeneDx Variant Classification Process June 2021. Collection method: clinical testing. Allele origin: germline.
Comment: Not observed at significant frequency in large population cohorts (gnomAD); In silico analysis supports that this missense variant has a deleterious effect on protein structure/function; Has not been previously published as pathogenic or benign to our knowledge; This variant is associated with the following publications: (PMID: 18409179)

NM_000489.6(ATRX):c.5059A>G (p.Arg1687Gly)

Gene: ATRX (ATRX chromatin remodeler; minus strand). Cytogenetic location: Xq21.1.
Variant type: single nucleotide variant.
Coding change: c.5059A>G on transcript NM_000489.6 (MANE Select); coding-DNA position 5059, A replaced by G.
Protein change: p.Arg1687Gly; replaces arginine 1687 with glycine.
Molecular consequence: missense variant.
Genome position (GRCh38, 1-based): chrX:77,633,282, T>C on the plus strand (A>G on the coding strand, the complement: ATRX is on the minus strand). VCF-style: chrX-77633282-T-C. GRCh37 (hg19) VCF-style: chrX-76888770-T-C.
Other names: c.4945A>G, p.Arg1649Gly (NM_138270.5); short protein forms R1649G, R1687G.
Identifiers: ClinVar variation 4975271 (VCV004975271.1).